The following is an entry in ClinVar:

ClinVar aggregate classification (germline): Uncertain significance (1 of 4 stars; one submission).

Conditions:
ANK2-related disorder. Also called: ANK2-related condition.

Submission:

PreventionGenetics, part of Exact Sciences
Classification: Uncertain significance for ANK2-related condition. Last evaluated: 2025-03-02. Review status: criteria provided, single submitter. Criteria: ACMG Guidelines, 2015. Collection method: clinical testing. Allele origin: germline.
Comment: The ANK2 c.3602T>C variant is predicted to result in the amino acid substitution p.Met1201Thr. To our knowledge, this variant has not been reported in the literature or in a large population database (gnomAD), indicating this variant is rare. At this time, the clinical significance of this variant is uncertain due to the absence of conclusive functional and genetic evidence.

NM_001148.6(ANK2):c.3602T>C (p.Met1201Thr)

Gene: ANK2 (ankyrin 2; plus strand). Cytogenetic location: 4q26.
Variant type: single nucleotide variant.
Coding change: c.3602T>C on transcript NM_001148.6 (MANE Select); coding-DNA position 3602, T replaced by C.
Protein change: p.Met1201Thr; replaces methionine 1201 with threonine.
Molecular consequence: missense variant. On other transcripts: initiator codon variant (2).
Genome position (GRCh38, 1-based): chr4:113,336,587, T>C. VCF-style: chr4-113336587-T-C. GRCh37 (hg19) VCF-style: chr4-114257743-T-C.
Other names: c.3575T>C, p.Met1192Thr (NM_001127493.3); c.3614T>C, p.Met1205Thr (NM_001354225.2); c.3503T>C, p.Met1168Thr (NM_001354228.2, NM_001354258.2); c.3581T>C, p.Met1194Thr (NM_001354230.2); c.3644T>C, p.Met1215Thr (NM_001354231.2, NM_001354242.2); c.3638T>C, p.Met1213Thr (NM_001354232.2); c.3599T>C, p.Met1200Thr (NM_001354235.2, NM_001354246.2, NM_001354265.2); c.3500T>C, p.Met1167Thr (NM_001354236.2); and 31 more; short protein forms M1073T, M1101T, M1114T, M1126T, M1139T, M1149T, M1158T, M1167T.
Identifiers: ClinVar variation 5000839 (VCV005000839.1).
Genomic context (GRCh38, chr4:113,336,587, plus strand): 5'-TTTTAAAATATATACACAAATATATATGTGTGTGTTTTTACTTTGAAAAGGCTCAACCTA[T>C]GCACAGTGAGCTGGTTAAGAAGATCCTAGGCAACAAAGCTACCTTCAGCCCTATAGTCAC-3'
Protein context (NP_001139.3, residues 1191-1211): RIRVGLQAQP[Met1201Thr]HSELVKKILG